The following is an entry in ClinVar:

NM_006182.4(DDR2):c.784G>A (p.Glu262Lys)

Gene: DDR2 (discoidin domain receptor tyrosine kinase 2; plus strand). Cytogenetic location: 1q23.3.
Variant type: single nucleotide variant.
Coding change: c.784G>A on transcript NM_006182.4 (MANE Select); coding-DNA position 784, G replaced by A.
Protein change: p.Glu262Lys; replaces glutamic acid 262 with lysine.
Molecular consequence: missense variant.
Genome position (GRCh38, 1-based): chr1:162,759,908, G>A. VCF-style: chr1-162759908-G-A. GRCh37 (hg19) VCF-style: chr1-162729698-G-A.
Other names: c.784G>A, p.Glu262Lys (LRG_1390t1, NM_001014796.3, NM_001354982.2 and 1 more transcripts); short protein forms E262K.
Identifiers: ClinVar variation 546458 (VCV000546458.17), dbSNP rs371402503, ClinGen allele CA1217343.
Genomic context (GRCh38, chr1:162,759,908, plus strand): 5'-TTCACCCAGACCCATGAATACCACGTGTGGCCCGGCTATGACTATGTGGGCTGGCGGAAC[G>A]AGAGTGCCACCAATGGCTACATTGAGATCATGTTTGAATTTGACCGCATCAGGAATTTCA-3'
Protein context (NP_006173.2, residues 252-272): PGYDYVGWRN[Glu262Lys]SATNGYIEIM

ClinVar aggregate classification (germline): Uncertain significance. Review status: criteria provided, multiple submitters, no conflicts (2 of 4 stars). 5 submissions from 5 submitters: Uncertain significance (5). Last evaluated 2025-09-24.

Allele frequency attached by ClinVar (database versions not stated): gnomAD exomes 0.00005 and 0.00035; ExAC 0.00007; gnomAD 0.00011; TOPMed 0.00017; ESP Exome Variant Server 0.00023.
gnomAD v4.1: 512 of 1,614,062 alleles (0.032%); highest among the groups gnomAD compares: Non-Finnish European, 0.042%; no homozygotes.

Submissions (5):

Labcorp Genetics (formerly Invitae), Labcorp
Classification: Uncertain significance. Last evaluated: 2025-09-24. Review status: criteria provided, single submitter. Criteria: Invitae Variant Classification Sherloc (09022015). Collection method: clinical testing. Allele origin: germline.
Comment: This sequence change replaces glutamic acid, which is acidic and polar, with lysine, which is basic and polar, at codon 262 of the DDR2 protein (p.Glu262Lys). This variant is present in population databases (rs371402503, gnomAD 0.01%). This variant has not been reported in the literature in individuals affected with DDR2-related conditions. ClinVar contains an entry for this variant (Variation ID: 546458). An algorithm developed to predict the effect of missense changes on protein structure and function (PolyPhen-2) suggests that this variant is likely to be tolerated. In summary, the available evidence is currently insufficient to determine the role of this variant in disease. Therefore, it has been classified as a Variant of Uncertain Significance.

Revvity Omics, Revvity
Classification: Uncertain significance. Last evaluated: 2022-03-10. Review status: criteria provided, single submitter. Criteria: ACMG Guidelines, 2015. Collection method: clinical testing. Allele origin: germline.

ARUP Laboratories, Molecular Genetics and Genomics, ARUP Laboratories
Classification: Uncertain significance. Last evaluated: 2020-02-16. Review status: criteria provided, single submitter. Criteria: ARUP Molecular Germline Variant Investigation Process. Collection method: clinical testing. Allele origin: germline.
Comment: The DDR2 c.784G>A; p.Glu262Lys variant (rs371402503), to our knowledge, is not reported in the medical literature but is reported in ClinVar (Variation ID: 546458). This variant is found in the general population with an overall allele frequency of 0.004% (13/282608 alleles) in the Genome Aggregation Database. The glutamate at codon 262 is moderately conserved, and computational analyses (SIFT, PolyPhen-2) predict that this variant is tolerated. However, given the lack of clinical and functional data, the significance of the p.Glu262Lys variant is uncertain at this time.

GeneDx
Classification: Uncertain significance. Last evaluated: 2018-05-22. Review status: criteria provided, single submitter. Criteria: GeneDx Variant Classification (06012015). Collection method: clinical testing. Allele origin: germline. Affected: yes.
Comment: The E262K variant in the DDR2 gene has not been reported previously as a pathogenic variant, nor as a benign variant, to our knowledge. The E262K variant is observed in 13/276938 (0.005%) alleles in large population cohorts and no individuals are reported to be homozygous (Lek et al., 2016). The E262K variant is a non-conservative amino acid substitution, which is likely to impact secondary protein structure as these residues differ in polarity, charge, size and/or other properties. In-silico analyses, including protein predictors and evolutionary conservation, support that this variant does not alter protein structure/function. We interpret E262K as a variant of uncertain significance.

Breakthrough Genomics
Classification: Uncertain significance. Review status: criteria provided, single submitter. Criteria: ACMG Guidelines, 2015. Collection method: not provided. Allele origin: germline. Inheritance: Autosomal recessive inheritance. Affected: yes.